The following is an entry in ClinVar:

NM_152419.3(HGSNAT):c.10_35delinsCGGCGGGCATGAGCGGGGCGGGCAGGGC (p.Ala4_Leu12delinsArgArgAlaTer)

Genes: HGSNAT (heparan-alpha-glucosaminide N-acetyltransferase; plus strand), LOC130000316 (ATAC-STARR-seq lymphoblastoid silent region 19164; plus strand). Cytogenetic location: 8p11.21.
Variant type: Indel.
Coding change: c.10_35delinsCGGCGGGCATGAGCGGGGCGGGCAGGGC on transcript NM_152419.3 (MANE Select); coding-DNA positions 10 to 35, GCGGGCAGGGCGCTGGCCGCGCTGCT replaced by CGGCGGGCATGAGCGGGGCGGGCAGGGC.
Protein change: p.Ala4_Leu12delinsArgArgAlaTer.
Molecular consequence: nonsense. On other transcripts: 5 prime UTR variant (1).
Genome position (GRCh38, 1-based): chr8:43,140,506-43,140,531, GCGGGCAGGGCGCTGGCCGCGCTGCT replaced by CGGCGGGCATGAGCGGGGCGGGCAGGGC. GRCh37 (hg19): chr8:42,995,649-42,995,674.
Other names: c.10_35delinsCGGCGGGCATGAGCGGGGCGGGCAGGGC, p.Ala4_Leu12delinsArgArgAlaTer (NM_001363227.2, NM_001363228.2); c.-824_-799delinsCGGCGGGCATGAGCGGGGCGGGCAGGGC (NM_001363229.2).
Identifiers: ClinVar variation 4816858 (VCV004816858.1).

ClinVar aggregate classification (germline): Likely pathogenic (1 of 4 stars; one submission).

Conditions:
Mucopolysaccharidosis, MPS-III-C (MPS3C). Also called: MPS IIIC (Sanfilippo Syndrome Type C); SANFILIPPO SYNDROME C; MPS III C; Mucopolysaccharidosis type IIIC (Sanfilippo C); MUCOPOLYSACCHARIDOSIS, TYPE IIIC; mucopolysaccharidosis type 3C. Identifiers: Orphanet 581, Orphanet 79271, MedGen C0086649, MONDO:0009657, OMIM 252930.

Submission:

Natera, Inc.
Classification: Likely pathogenic for Mucopolysaccharidosis type IIIC. Last evaluated: 2025-09-26. Review status: criteria provided, single submitter. Criteria: Natera Variant Classification Schema (03/2026). Collection method: clinical testing. Allele origin: germline.
Comment: The c.10_35delinsCGGCGGGCATGAGCGGGGCGGGCAGGGC variant in HGSNAT is a frameshift variant predicted to shift the reading frame beginning at codon 4 and leads to a stop codon 4 codons downstream. This variant is expected to result in nonsense mediated decay, truncation, or a dysfunctional protein product. This variant is rare in the general population with a frequency below the threshold expected for the associated phenotype(s). Given the available evidence, this variant is classified as Likely Pathogenic.